The following is an entry in ClinVar:

NC_000004.11:g.(?_103610711)_(103645144_?)del

Gene: MANBA (mannosidase beta; minus strand). Cytogenetic location: 4q24.
Variant type: Deletion.
Identifiers: ClinVar variation 3246688 (VCV003246688.1).

ClinVar aggregate classification (germline): Pathogenic (1 of 4 stars; one submission).

Conditions:
Beta-D-mannosidosis (MANSB). Also called: MANNOSIDOSIS, BETA A, LYSOSOMAL; BETA-MANNOSIDASE DEFICIENCY; LYSOSOMAL BETA-MANNOSIDASE DEFICIENCY; Beta-Mannosidosis. Identifiers: Orphanet 118, MedGen C4048196, MONDO:0009562, OMIM 248510.

Submission:

Labcorp Genetics (formerly Invitae), Labcorp
Classification: Pathogenic for Beta-D-mannosidosis. Last evaluated: 2023-12-31. Review status: criteria provided, single submitter. Criteria: Invitae Variant Classification Sherloc (09022015). Collection method: clinical testing. Allele origin: unknown.
Comment: This variant is a gross deletion of the genomic region encompassing exon(s) 3-7 of the MANBA gene. This deletion is out-of-frame, and is expected to create a premature termination codon and result in an absent or disrupted protein product. Loss-of-function variants in MANBA are known to be pathogenic (PMID: 9384606, 12468273). This variant has not been reported in the literature in individuals affected with MANBA-related conditions. For these reasons, this variant has been classified as Pathogenic.

Literature cited by the submitters: PubMed 9384606; PubMed 12468273.